The following is an entry in ClinVar:

ClinVar aggregate classification (germline): Likely pathogenic (1 of 4 stars; one submission).

Conditions:
GM1 gangliosidosis. Identifiers: Orphanet 354, MedGen C0085131, MONDO:0018149.
Mucopolysaccharidosis, MPS-IV-B (MPS4B). Also called: MORQUIO SYNDROME B; Mucopolysaccharidosis Type IVB (Morquio B Disease); Mucopolysaccharidosis type 4B; Mucopolysaccharidosis type IVB (Morquio); MPS IVB; Mucopolysaccharidosis type IV B. Identifiers: Orphanet 309310, Orphanet 582, MedGen C0086652, MONDO:0009660, OMIM 253010.

gnomAD v4.1: 2 of 1,613,928 alleles (0.00012%); highest among the groups gnomAD compares: Non-Finnish European, 0.00017%; no homozygotes.

Submission:

Labcorp Genetics (formerly Invitae), Labcorp
Classification: Likely pathogenic for Mucopolysaccharidosis, MPS-IV-B; GM1 gangliosidosis. Last evaluated: 2021-10-09. Review status: criteria provided, single submitter. Criteria: Invitae Variant Classification Sherloc (09022015). Collection method: clinical testing. Allele origin: germline.
Comment: This sequence change replaces leucine with valine at codon 337 of the GLB1 protein (p.Leu337Val). The leucine residue is highly conserved and there is a small physicochemical difference between leucine and valine. This variant is not present in population databases (ExAC no frequency). This variant has not been reported in the literature in individuals affected with GLB1-related conditions. Advanced modeling of protein sequence and biophysical properties (such as structural, functional, and spatial information, amino acid conservation, physicochemical variation, residue mobility, and thermodynamic stability) performed at Invitae indicates that this missense variant is expected to disrupt GLB1 protein function. Algorithms developed to predict the effect of sequence changes on RNA splicing suggest that this variant may create or strengthen a splice site. This variant disrupts the p.Leu337 amino acid residue in GLB1. Other variant(s) that disrupt this residue have been determined to be pathogenic (PMID: 23151865, 25936995). This suggests that this residue is clinically significant, and that variants that disrupt this residue are likely to be disease-causing. In summary, the currently available evidence indicates that the variant is pathogenic, but additional data are needed to prove that conclusively. Therefore, this variant has been classified as Likely Pathogenic.

Literature cited by the submitters: PubMed 23151865; PubMed 25936995.

NM_000404.4(GLB1):c.1009C>G (p.Leu337Val)

Gene: GLB1 (galactosidase beta 1; minus strand). Cytogenetic location: 3p22.3.
Variant type: single nucleotide variant.
Coding change: c.1009C>G on transcript NM_000404.4 (MANE Select); coding-DNA position 1009, C replaced by G.
Protein change: p.Leu337Val; replaces leucine 337 with valine.
Molecular consequence: missense variant.
Genome position (GRCh38, 1-based): chr3:33,046,179, G>C on the plus strand (C>G on the coding strand, the complement: GLB1 is on the minus strand). VCF-style: chr3-33046179-G-C. GRCh37 (hg19) VCF-style: chr3-33087671-G-C.
Other names: c.919C>G, p.Leu307Val (NM_001079811.3); c.616C>G, p.Leu206Val (NM_001135602.3); c.1153C>G, p.Leu385Val (NM_001317040.2); c.1009C>G, p.Leu337Val (NM_001393580.1); short protein forms L385V, L307V, L206V, L337V.
Identifiers: ClinVar variation 1491024 (VCV001491024.6), dbSNP rs376034559, ClinGen allele CA351999382.